The following is an entry in ClinVar:

ClinVar aggregate classification (germline): Uncertain significance (0 of 4 stars; one submission).

Conditions:
Autism (AUTS). Also called: Autistic disorder of childhood onset; Autistic disorder. Identifiers: MedGen C0004352, MeSH D001321, MONDO:0005260, OMIM 209850, HP:0000717.

gnomAD v4.1: 5 of 1,175,033 alleles (0.00043%); highest among the groups gnomAD compares: Non-Finnish European, 0.00057%; no homozygotes.

Submission:

Centre for Addiction & Mental Health
Classification: Uncertain significance for Autism. Review status: no assertion criteria provided. Collection method: research. Allele origin: maternal. Affected: yes. Observed: 1 hemizygote. Segregation with disease observed.
Comment: Gene not previously associated with disease; independent supportng evidence needed

NM_001395254.1(ZNF185):c.1218-2A>G

Gene: ZNF185 (zinc finger protein 185 with LIM domain; plus strand). Cytogenetic location: Xq28.
Variant type: single nucleotide variant.
Coding change: c.1218-2A>G on transcript NM_001395254.1 (MANE Select); the canonical splice acceptor site of the intron before coding-DNA position 1218, A replaced by G.
Molecular consequence: splice acceptor variant.
Genome position (GRCh38, 1-based): chrX:152,938,072, A>G. VCF-style: chrX-152938072-A-G. GRCh37 (hg19) VCF-style: chrX-152106616-A-G.
Other names: c.1122-2A>G (NM_001388432.2, NM_001178108.2); c.1215-2A>G (NM_001178106.1); c.1119-2A>G (NM_007150.3); c.1128-2A>G (NM_001178107.1); c.1032-2A>G (NM_001178109.1); c.942-2A>G (NM_001178110.1); c.456-2A>G (NM_001178113.2).
Identifiers: ClinVar variation 3338210 (VCV003338210.2).